The following is an entry in ClinVar:

ClinVar aggregate classification (germline): Uncertain significance (1 of 4 stars; one submission).

Submission:

Labcorp Genetics (formerly Invitae), Labcorp
Classification: Uncertain significance. Last evaluated: 2024-03-20. Review status: criteria provided, single submitter. Criteria: Invitae Variant Classification Sherloc (09022015). Collection method: clinical testing. Allele origin: germline.
Comment: This sequence change replaces histidine, which is basic and polar, with arginine, which is basic and polar, at codon 295 of the LZTR1 protein (p.His295Arg). This variant is not present in population databases (gnomAD no frequency). This variant has not been reported in the literature in individuals affected with LZTR1-related conditions. Advanced modeling of protein sequence and biophysical properties (such as structural, functional, and spatial information, amino acid conservation, physicochemical variation, residue mobility, and thermodynamic stability) performed at Invitae indicates that this missense variant is not expected to disrupt LZTR1 protein function with a negative predictive value of 80%. In summary, the available evidence is currently insufficient to determine the role of this variant in disease. Therefore, it has been classified as a Variant of Uncertain Significance.

NM_006767.4(LZTR1):c.884A>G (p.His295Arg)

Gene: LZTR1 (leucine zipper like post translational regulator 1; plus strand). Cytogenetic location: 22q11.21.
Variant type: single nucleotide variant.
Coding change: c.884A>G on transcript NM_006767.4 (MANE Select); coding-DNA position 884, A replaced by G.
Protein change: p.His295Arg; replaces histidine 295 with arginine.
Molecular consequence: missense variant.
Genome position (GRCh38, 1-based): chr22:20,991,720, A>G. VCF-style: chr22-20991720-A-G. GRCh37 (hg19) VCF-style: chr22-21346009-A-G.
Other names: short protein forms H295R.
Identifiers: ClinVar variation 3643050 (VCV003643050.2).
Genomic context (GRCh38, chr22:20,991,720, plus strand): 5'-GGGGCTCCCCACCACCCCCGCAGCGGCGCTACGGGCATACCATGGTGGCCTTTGACCGCC[A>G]CCTCTATGTGTTTGGGGGTGCGGCCGACAACACGCTGCCCAACGAGCTGCACTGCTATGA-3'
Protein context (NP_006758.2, residues 285-305): YGHTMVAFDR[His295Arg]LYVFGGAADN